The following is an entry in ClinVar:

ClinVar aggregate classification (germline): Conflicting classifications of pathogenicity. Review status: criteria provided, conflicting classifications (1 of 4 stars). 4 submissions from 4 submitters: Uncertain significance (3); Likely benign (1). Last evaluated 2026-05-04.

Conditions:
Cardiovascular phenotype. Identifiers: MedGen CN230736.
ALPK3-related disorder. Also called: ALPK3-related condition.

Allele frequency attached by ClinVar (database versions not stated): gnomAD exomes 0.00001 and 0.00002; ExAC 0.00002; gnomAD 0.00017 and 0.00019; 1000 Genomes Project 0.00020; 1000 Genomes Project 30x 0.00031; TOPMed 0.00035.
gnomAD v4.1: 56 of 1,609,544 alleles (0.0035%); highest among the groups gnomAD compares: Admixed American, 0.042%; no homozygotes.

Submissions (4):

PreventionGenetics, part of Exact Sciences
Classification: Uncertain significance for ALPK3-related condition. Last evaluated: 2026-05-04. Review status: criteria provided, single submitter. Criteria: ACMG Guidelines, 2015. Collection method: clinical testing. Allele origin: germline.
Comment: The ALPK3 c.2297C>T variant is predicted to result in the amino acid substitution p.Ser766Leu. To our knowledge, this variant has not been reported in the literature. This variant is reported in 0.0030% of alleles in individuals of Latino descent in gnomAD. At this time, the clinical significance of this variant is uncertain due to the absence of conclusive functional and genetic evidence.

Labcorp Genetics (formerly Invitae), Labcorp
Classification: Uncertain significance. Last evaluated: 2026-01-21. Review status: criteria provided, single submitter. Criteria: Invitae Variant Classification Sherloc (09022015). Collection method: clinical testing. Allele origin: germline.
Comment: This sequence change replaces serine, which is neutral and polar, with leucine, which is neutral and non-polar, at codon 766 of the ALPK3 protein (p.Ser766Leu). This variant is present in population databases (rs200540710, gnomAD 0.003%). This variant has not been reported in the literature in individuals affected with ALPK3-related conditions. ClinVar contains an entry for this variant (Variation ID: 1179421). Invitae Evidence Modeling of protein sequence and biophysical properties (such as structural, functional, and spatial information, amino acid conservation, physicochemical variation, residue mobility, and thermodynamic stability) indicates that this missense variant is not expected to disrupt ALPK3 protein function with a negative predictive value of 80%. In summary, the available evidence is currently insufficient to determine the role of this variant in disease. Therefore, it has been classified as a Variant of Uncertain Significance.

GeneDx
Classification: Uncertain significance. Last evaluated: 2025-03-02. Review status: criteria provided, single submitter. Criteria: GeneDx Variant Classification Process June 2021. Collection method: clinical testing. Allele origin: germline. Affected: yes.
Comment: Not observed at significant frequency in large population cohorts (gnomAD); In silico analysis indicates that this missense variant does not alter protein structure/function; Has not been previously published as pathogenic or benign to our knowledge

Ambry Genetics
Classification: Likely benign for Cardiovascular phenotype. Last evaluated: 2021-09-30. Review status: criteria provided, single submitter. Criteria: Ambry Variant Classification Scheme 2023. Collection method: clinical testing. Allele origin: germline.

NM_020778.5(ALPK3):c.1691C>T (p.Ser564Leu)

Gene: ALPK3 (alpha kinase 3; plus strand). Cytogenetic location: 15q25.3.
Variant type: single nucleotide variant.
Coding change: c.1691C>T on transcript NM_020778.5 (MANE Select); coding-DNA position 1691, C replaced by T.
Protein change: p.Ser564Leu; replaces serine 564 with leucine.
Molecular consequence: missense variant.
Genome position (GRCh38, 1-based): chr15:84,856,429, C>T. VCF-style: chr15-84856429-C-T. GRCh37 (hg19) VCF-style: chr15-85399660-C-T.
Other names: short protein forms S564L.
Identifiers: ClinVar variation 1179421 (VCV001179421.16), dbSNP rs200540710, ClinGen allele CA7709273.